The following is an entry in ClinVar:

ClinVar aggregate classification (germline): Uncertain significance (1 of 4 stars; one submission).

Conditions:
Dilated cardiomyopathy 1O (CMD1O). Also called: CARDIOMYOPATHY, DILATED, WITH VENTRICULAR TACHYCARDIA. Identifiers: Orphanet 154, MedGen C1837839, MONDO:0012062, OMIM 608569.

Allele frequency attached by ClinVar (database versions not stated): TOPMed below 0.00001.

Submission:

Labcorp Genetics (formerly Invitae), Labcorp
Classification: Uncertain significance for Dilated cardiomyopathy 1O. Last evaluated: 2023-04-16. Review status: criteria provided, single submitter. Criteria: Invitae Variant Classification Sherloc (09022015). Collection method: clinical testing. Allele origin: germline.
Comment: In summary, the available evidence is currently insufficient to determine the role of this variant in disease. Therefore, it has been classified as a Variant of Uncertain Significance. Advanced modeling of protein sequence and biophysical properties (such as structural, functional, and spatial information, amino acid conservation, physicochemical variation, residue mobility, and thermodynamic stability) has been performed at Invitae for this missense variant, however the output from this modeling did not meet the statistical confidence thresholds required to predict the impact of this variant on ABCC9 protein function. ClinVar contains an entry for this variant (Variation ID: 2073451). This variant has not been reported in the literature in individuals affected with ABCC9-related conditions. This variant is not present in population databases (gnomAD no frequency). This sequence change replaces alanine, which is neutral and non-polar, with threonine, which is neutral and polar, at codon 292 of the ABCC9 protein (p.Ala292Thr).

NM_020297.4(ABCC9):c.874G>A (p.Ala292Thr)

Gene: ABCC9 (ATP binding cassette subfamily C member 9; minus strand). Cytogenetic location: 12p12.1.
Variant type: single nucleotide variant.
Coding change: c.874G>A on transcript NM_020297.4 (MANE Select); coding-DNA position 874, G replaced by A.
Protein change: p.Ala292Thr; replaces alanine 292 with threonine.
Molecular consequence: missense variant.
Genome position (GRCh38, 1-based): chr12:21,913,009, C>T on the plus strand (G>A on the coding strand, the complement: ABCC9 is on the minus strand). VCF-style: chr12-21913009-C-T. GRCh37 (hg19) VCF-style: chr12-22065943-C-T.
Other names: c.874G>A, p.Ala292Thr (NM_001377273.1, NM_005691.4); c.10G>A, p.Ala4Thr (NM_001377274.1); short protein forms A292T, A4T.
Identifiers: ClinVar variation 2073451 (VCV002073451.4), dbSNP rs1238590294, ClinGen allele CA384121659.